The following is an entry in ClinVar:

NM_000157.4(GBA1):c.736C>T (p.Gln246Ter)

Genes: GBA1 (glucosylceramidase beta 1; minus strand), LOC106627981 (GBA recombination region; plus strand). Cytogenetic location: 1q22.
Variant type: single nucleotide variant.
Coding change: c.736C>T on transcript NM_000157.4 (MANE Select); coding-DNA position 736, C replaced by T.
Protein change: p.Gln246Ter; replaces glutamine 246 with a stop codon.
Molecular consequence: nonsense.
Genome position (GRCh38, 1-based): chr1:155,238,159, G>A on the plus strand (C>T on the coding strand, the complement: GBA1 is on the minus strand). VCF-style: chr1-155238159-G-A. GRCh37 (hg19) VCF-style: chr1-155207950-G-A.
Other names: c.736C>T, p.Gln246Ter (NM_001005741.3, NM_001005742.3); c.475C>T, p.Gln159Ter (NM_001171811.2); c.589C>T, p.Gln197Ter (NM_001171812.2); short protein forms Q159*, Q197*, Q246*.
Identifiers: ClinVar variation 4817800 (VCV004817800.1).

ClinVar aggregate classification (germline): Likely pathogenic (1 of 4 stars; one submission).

Conditions:
Gaucher disease. Also called: Acute cerebral Gaucher disease; Cerebroside lipidosis syndrome; Gaucher splenomegaly; Sphingolipidosis 1; Glucocerebrosidosis; Glucosylceramidase deficiency. Identifiers: Orphanet 355, MedGen C0017205, MONDO:0018150.

Submission:

Natera, Inc.
Classification: Likely pathogenic for Gaucher disease. Last evaluated: 2025-11-26. Review status: criteria provided, single submitter. Criteria: Natera Variant Classification Schema (03/2026). Collection method: clinical testing. Allele origin: germline.
Comment: The c.736C>T variant in GBA1 is a nonsense variant predicted to introduce a stop codon at amino acid 246. This variant is expected to result in nonsense mediated decay, truncation, or a dysfunctional protein product. This variant is rare in the general population with a frequency below the threshold expected for the associated phenotype(s). Given the available evidence, this variant is classified as Likely Pathogenic.